The following is an entry in ClinVar:

ClinVar aggregate classification (germline): Uncertain significance (1 of 4 stars; one submission).

Conditions:
Benign neonatal seizures. Also called: Benign familial neonatal seizures; Convulsions benign familial neonatal dominant form; Autosomal dominant form of benign neonatal seizures; Benign neonatal familial convulsions; Benign familial neonatal epilepsy. Identifiers: Orphanet 1949, MedGen C0220669, MONDO:0016027.

Submission:

Labcorp Genetics (formerly Invitae), Labcorp
Classification: Uncertain significance for Benign neonatal seizures. Last evaluated: 2023-11-12. Review status: criteria provided, single submitter. Criteria: Invitae Variant Classification Sherloc (09022015). Collection method: clinical testing. Allele origin: germline.
Comment: This sequence change replaces glutamine, which is neutral and polar, with proline, which is neutral and non-polar, at codon 586 of the KCNQ3 protein (p.Gln586Pro). This variant is not present in population databases (gnomAD no frequency). This variant has not been reported in the literature in individuals affected with KCNQ3-related conditions. Advanced modeling of protein sequence and biophysical properties (such as structural, functional, and spatial information, amino acid conservation, physicochemical variation, residue mobility, and thermodynamic stability) performed at Invitae indicates that this missense variant is not expected to disrupt KCNQ3 protein function with a negative predictive value of 95%. In summary, the available evidence is currently insufficient to determine the role of this variant in disease. Therefore, it has been classified as a Variant of Uncertain Significance.

NM_004519.4(KCNQ3):c.1757A>C (p.Gln586Pro)

Gene: KCNQ3 (potassium voltage-gated channel subfamily Q member 3; minus strand). Cytogenetic location: 8q24.22.
Variant type: single nucleotide variant.
Coding change: c.1757A>C on transcript NM_004519.4 (MANE Select); coding-DNA position 1757, A replaced by C.
Protein change: p.Gln586Pro; replaces glutamine 586 with proline.
Molecular consequence: missense variant.
Genome position (GRCh38, 1-based): chr8:132,134,332, T>G on the plus strand (A>C on the coding strand, the complement: KCNQ3 is on the minus strand). VCF-style: chr8-132134332-T-G. GRCh37 (hg19) VCF-style: chr8-133146579-T-G.
Other names: c.1397A>C, p.Gln466Pro (NM_001204824.2); short protein forms Q466P, Q586P.
Identifiers: ClinVar variation 2710349 (VCV002710349.3), dbSNP rs2536867549, ClinGen allele CA372218514.